The following is an entry in ClinVar:

ClinVar aggregate classification (germline): Uncertain significance (1 of 4 stars; one submission).

Conditions:
GREB1L-related disorder. Also called: GREB1L-related condition.

gnomAD v4.1: 2 of 1,550,996 alleles (0.00013%); highest among the groups gnomAD compares: Non-Finnish European, 0.00017%; no homozygotes.

Submission:

PreventionGenetics, part of Exact Sciences
Classification: Uncertain significance for GREB1L-related condition. Last evaluated: 2025-07-02. Review status: criteria provided, single submitter. Criteria: ACMG Guidelines, 2015. Collection method: clinical testing. Allele origin: germline.
Comment: The GREB1L c.4229-7T>G variant is predicted to interfere with splicing. To our knowledge, this variant has not been reported in the literature. This variant is reported in 0.0017% of alleles in individuals of European (Non-Finnish) descent in gnomAD. At this time, the clinical significance of this variant is uncertain due to the absence of conclusive functional and genetic evidence.

NM_001142966.3(GREB1L):c.4229-7T>G

Gene: GREB1L (GREB1 like retinoic acid receptor coactivator; plus strand). Cytogenetic location: 18q11.2.
Variant type: single nucleotide variant.
Coding change: c.4229-7T>G on transcript NM_001142966.3 (MANE Select); 7 bases into the intron before coding-DNA position 4229, T replaced by G.
Molecular consequence: intron variant.
Genome position (GRCh38, 1-based): chr18:21,505,803, T>G. VCF-style: chr18-21505803-T-G. GRCh37 (hg19) VCF-style: chr18-19085764-T-G.
Other names: c.4358-7T>G (NM_001410867.1); c.3902-7T>G (NM_001410868.1).
Identifiers: ClinVar variation 4997578 (VCV004997578.1).
Genomic context (GRCh38, chr18:21,505,803, plus strand): 5'-CTTTTCTTTCCAGGCATAGGGAAAACATGTTATCTCATGGGATGGCTTTTTGCCCCTTTA[T>G]ACACAGAAGTGATAAAGGAATCCAAAGTTGAAGAGCCCAGGAAACGGGAAACTGTATCCA-3'